The following is an entry in ClinVar:

NM_006648.4(WNK2):c.5509G>T (p.Val1837Leu)

Gene: WNK2 (WNK lysine deficient protein kinase 2; plus strand). Cytogenetic location: 9q22.31.
Variant type: single nucleotide variant.
Coding change: c.5509G>T on transcript NM_006648.4 (MANE Select); coding-DNA position 5509, G replaced by T.
Protein change: p.Val1837Leu; replaces valine 1837 with leucine.
Molecular consequence: missense variant.
Genome position (GRCh38, 1-based): chr9:93,292,974, G>T. VCF-style: chr9-93292974-G-T. GRCh37 (hg19) VCF-style: chr9-96055256-G-T.
Other names: c.5620G>T, p.Val1874Leu (NM_001282394.3); short protein forms V1874L, V1837L.
Identifiers: ClinVar variation 3470749 (VCV003470749.2).

ClinVar aggregate classification (germline): Uncertain significance (1 of 4 stars; one submission).

gnomAD v4.1: 1 of 1,544,034 alleles (0.000065%); no homozygotes.

Submission:

Ambry Genetics
Classification: Uncertain significance. Last evaluated: 2026-03-12. Review status: criteria provided, single submitter. Criteria: Ambry Variant Classification Scheme 2023. Collection method: clinical testing. Allele origin: germline.
Comment: The p.V1837L variant (also known as c.5509G>T), located in coding exon 22 of the WNK2 gene, results from a G to T substitution at nucleotide position 5509. The valine at codon 1837 is replaced by leucine, an amino acid with highly similar properties. This amino acid position is conserved. In addition, this alteration is predicted to be tolerated by in silico analysis. Based on the available evidence, the clinical significance of this variant remains unclear.